The following is an entry in ClinVar:

NM_000701.8(ATP1A1):c.358G>C (p.Ala120Pro)

Gene: ATP1A1 (ATPase Na+/K+ transporting subunit alpha 1; plus strand). Cytogenetic location: 1p13.1.
Variant type: single nucleotide variant.
Coding change: c.358G>C on transcript NM_000701.8 (MANE Select); coding-DNA position 358, G replaced by C.
Protein change: p.Ala120Pro; replaces alanine 120 with proline.
Molecular consequence: missense variant.
Genome position (GRCh38, 1-based): chr1:116,387,462, G>C. VCF-style: chr1-116387462-G-C. GRCh37 (hg19) VCF-style: chr1-116930084-G-C.
Other names: c.358G>C, p.Ala120Pro (NM_001160233.2); c.265G>C, p.Ala89Pro (NM_001160234.2); short protein forms A120P, A89P.
Identifiers: ClinVar variation 4799929 (VCV004799929.1).
Genomic context (GRCh38, chr1:116,387,462, plus strand): 5'-TTCTCAATGTTACTGTGGATTGGAGCGATTCTTTGTTTCTTGGCTTATAGCATCCAAGCT[G>C]CTACAGAAGAGGAACCTCAAAACGATAATGTGAGTTCTGTAATTCAGCATATGGATTTGT-3'
Protein context (NP_000692.2, residues 110-130): LCFLAYSIQA[Ala120Pro]TEEEPQNDNL

ClinVar aggregate classification (germline): Uncertain significance (1 of 4 stars; one submission).

Submission:

Labcorp Genetics (formerly Invitae), Labcorp
Classification: Uncertain significance. Last evaluated: 2025-12-14. Review status: criteria provided, single submitter. Criteria: Invitae Variant Classification Sherloc (09022015). Collection method: clinical testing. Allele origin: germline.
Comment: This sequence change replaces alanine, which is neutral and non-polar, with proline, which is neutral and non-polar, at codon 120 of the ATP1A1 protein (p.Ala120Pro). This variant is not present in population databases (gnomAD no frequency). This variant has not been reported in the literature in individuals affected with ATP1A1-related conditions. Invitae Evidence Modeling of protein sequence and biophysical properties (such as structural, functional, and spatial information, amino acid conservation, physicochemical variation, residue mobility, and thermodynamic stability) has been performed for this missense variant. However, the output from this modeling did not meet the statistical confidence thresholds required to predict the impact of this variant on ATP1A1 protein function. In summary, the available evidence is currently insufficient to determine the role of this variant in disease. Therefore, it has been classified as a Variant of Uncertain Significance.